The following is an entry in ClinVar:

NM_002578.5(PAK3):c.377A>G (p.Tyr126Cys)

Gene: PAK3 (p21 (RAC1) activated kinase 3; plus strand). Cytogenetic location: Xq23.
Variant type: single nucleotide variant.
Coding change: c.377A>G on transcript NM_002578.5 (MANE Select); coding-DNA position 377, A replaced by G.
Protein change: p.Tyr126Cys; replaces tyrosine 126 with cysteine.
Molecular consequence: missense variant. On other transcripts: non-coding transcript variant (2).
Genome position (GRCh38, 1-based): chrX:111,147,837, A>G. VCF-style: chrX-111147837-A-G. GRCh37 (hg19) VCF-style: chrX-110391065-A-G.
Other names: c.377A>G, p.Tyr126Cys (NM_001128166.3, NM_001128167.3, NM_001324325.2 and 5 more transcripts); c.485A>G, p.Tyr162Cys (NM_001128168.3); c.440A>G, p.Tyr147Cys (NM_001128172.2); c.422A>G, p.Tyr141Cys (NM_001128173.3, NM_001324327.2, NM_001324328.2 and 2 more transcripts); short protein forms Y126C, Y141C, Y147C, Y162C.
Identifiers: ClinVar variation 4861464 (VCV004861464.1).

ClinVar aggregate classification (germline): Uncertain significance (1 of 4 stars; one submission).

Conditions:
Inborn genetic diseases. Identifiers: MedGen C0950123, MeSH D030342.

Submission:

Ambry Genetics
Classification: Uncertain significance for Inborn genetic diseases. Last evaluated: 2026-03-30. Review status: criteria provided, single submitter. Criteria: Ambry Variant Classification Scheme 2023. Collection method: clinical testing. Allele origin: germline.
Comment: The c.377A>G (p.Y126C) alteration is located in exon 7 (coding exon 3) of the PAK3 gene. This alteration results from an A to G substitution at nucleotide position 377, causing the tyrosine (Y) at amino acid position 126 to be replaced by a cysteine (C). This variant was not reported in population-based cohorts in the Genome Aggregation Database (gnomAD). This amino acid position is highly conserved in available vertebrate species. This alteration is predicted to be deleterious by in silico analysis. Based on insufficient or conflicting evidence, the clinical significance of this alteration remains unclear.